The following is an entry in ClinVar:

ClinVar aggregate classification (germline): Uncertain significance (1 of 4 stars; one submission).

Allele frequency attached by ClinVar (database versions not stated): gnomAD exomes below 0.00001.
gnomAD v4.1: 3 of 1,614,120 alleles (0.00019%); highest among the groups gnomAD compares: Non-Finnish European, 0.00017%; no homozygotes.

Submission:

Labcorp Genetics (formerly Invitae), Labcorp
Classification: Uncertain significance. Last evaluated: 2024-11-04. Review status: criteria provided, single submitter. Criteria: Invitae Variant Classification Sherloc (09022015). Collection method: clinical testing. Allele origin: germline.
Comment: This sequence change replaces alanine, which is neutral and non-polar, with valine, which is neutral and non-polar, at codon 286 of the EMC1 protein (p.Ala286Val). This variant is not present in population databases (gnomAD no frequency). This variant has not been reported in the literature in individuals affected with EMC1-related conditions. ClinVar contains an entry for this variant (Variation ID: 2866279). Invitae Evidence Modeling of protein sequence and biophysical properties (such as structural, functional, and spatial information, amino acid conservation, physicochemical variation, residue mobility, and thermodynamic stability) indicates that this missense variant is not expected to disrupt EMC1 protein function with a negative predictive value of 80%. In summary, the available evidence is currently insufficient to determine the role of this variant in disease. Therefore, it has been classified as a Variant of Uncertain Significance.

NM_015047.3(EMC1):c.857C>T (p.Ala286Val)

Genes: EMC1 (ER membrane protein complex subunit 1; minus strand), EMC1-AS1 (EMC1 antisense RNA 1; plus strand). Cytogenetic location: 1p36.13.
Variant type: single nucleotide variant.
Coding change: c.857C>T on transcript NM_015047.3 (MANE Select); coding-DNA position 857, C replaced by T.
Protein change: p.Ala286Val; replaces alanine 286 with valine.
Molecular consequence: missense variant.
Genome position (GRCh38, 1-based): chr1:19,239,915, G>A on the plus strand (C>T on the coding strand, the complement: EMC1 is on the minus strand). VCF-style: chr1-19239915-G-A. GRCh37 (hg19) VCF-style: chr1-19566409-G-A.
Other names: c.857C>T, p.Ala286Val (NM_001375821.1, NM_001271427.2, NM_001271428.2 and 1 more transcripts); c.791C>T, p.Ala264Val (NM_001271429.2); short protein forms A286V, A264V.
Identifiers: ClinVar variation 2866279 (VCV002866279.3), dbSNP rs2536780777, ClinGen allele CA338768236.